The following is an entry in ClinVar:

ClinVar aggregate classification (germline): Likely pathogenic (1 of 4 stars; one submission).

Conditions:
Finnish congenital nephrotic syndrome (NPHS1). Also called: NEPHROTIC SYNDROME, TYPE 1. Identifiers: Orphanet 839, MedGen C0403399, MONDO:0009732, OMIM 256300.

Submission:

Myriad Genetics, Inc.
Classification: Likely pathogenic for Finnish congenital nephrotic syndrome. Last evaluated: 2022-05-18. Review status: criteria provided, single submitter. Criteria: Myriad Women's Health Autosomal Recessive and X-Linked Classification Criteria (2021). Collection method: clinical testing. Allele origin: unknown.
Comment: NM_004646.3(NPHS1):c.233dupC(G79Rfs*13) is expected to be pathogenic in the context of nephrotic syndrome, NPHS1-related. This variant is predicted to lead to an abnormal or absent protein product due to the creation of a premature termination codon in NPHS1, a gene where loss-of-function variants are known to be pathogenic. Please note: this variant was assessed in the context of healthy population screening.

NM_004646.4(NPHS1):c.233dup (p.Gly79fs)

Genes: NPHS1 (NPHS1 adhesion molecule, nephrin; minus strand), KIRREL2 (kirre like nephrin family adhesion molecule 2; plus strand). Cytogenetic location: 19q13.12.
Variant type: Duplication.
Coding change: c.233dup on transcript NM_004646.4 (MANE Select); coding-DNA position 233, one base duplicated (C; older notation c.233dupC).
Protein change: p.Gly79fs; shifts the reading frame from glycine 79.
Molecular consequence: frameshift variant.
Genome position (GRCh38, 1-based): chr19:35,851,498, G duplicated on the plus strand (C on the coding strand, the reverse complement: NPHS1 is on the minus strand); the first of 3 consecutive G bases (chr19:35,851,498-35,851,500); duplicating any one gives the same sequence. VCF-style (leftmost placement, unchanged base first): chr19-35851497-T-TG. GRCh37 (hg19) VCF-style: chr19-36342399-T-TG.
Other names: short protein forms G79fs.
Identifiers: ClinVar variation 1726140 (VCV001726140.2), dbSNP rs2513785701, ClinGen allele CA2580096901.